The following is an entry in ClinVar:

ClinVar aggregate classification (germline): Uncertain significance. Review status: criteria provided, multiple submitters, no conflicts (2 of 4 stars). 2 submissions from 2 submitters: Uncertain significance (2). Last evaluated 2025-04-30.

Conditions:
FG syndrome (FGS). Identifiers: MedGen C0220769, MONDO:0002010.
Familial thoracic aortic aneurysm and aortic dissection (TAAD). Also called: Thoracic aortic aneurysms and dissections. Identifiers: Orphanet 91387, MedGen C4707243, MONDO:0019625.

gnomAD v4.1: 2 of 1,209,762 alleles (0.00017%); highest among the groups gnomAD compares: African/African-American, 0.0018%; no homozygotes.

Submissions (2):

Labcorp Genetics (formerly Invitae), Labcorp
Classification: Uncertain significance for FG syndrome. Last evaluated: 2025-04-30. Review status: criteria provided, single submitter. Criteria: Invitae Variant Classification Sherloc (09022015). Collection method: clinical testing. Allele origin: germline.
Comment: This sequence change replaces valine, which is neutral and non-polar, with glutamic acid, which is acidic and polar, at codon 258 of the MED12 protein (p.Val258Glu). This variant is not present in population databases (gnomAD no frequency). This variant has not been reported in the literature in individuals affected with MED12-related conditions. ClinVar contains an entry for this variant (Variation ID: 3394506). Invitae Evidence Modeling of protein sequence and biophysical properties (such as structural, functional, and spatial information, amino acid conservation, physicochemical variation, residue mobility, and thermodynamic stability) has been performed for this missense variant. However, the output from this modeling did not meet the statistical confidence thresholds required to predict the impact of this variant on MED12 protein function. In summary, the available evidence is currently insufficient to determine the role of this variant in disease. Therefore, it has been classified as a Variant of Uncertain Significance.

Ambry Genetics
Classification: Uncertain significance for Familial thoracic aortic aneurysm and aortic dissection. Last evaluated: 2024-08-19. Review status: criteria provided, single submitter. Criteria: Ambry Variant Classification Scheme 2023. Collection method: clinical testing. Allele origin: germline.

NM_005120.3(MED12):c.773T>A (p.Val258Glu)

Gene: MED12 (mediator complex subunit 12; plus strand). Cytogenetic location: Xq13.1.
Variant type: single nucleotide variant.
Coding change: c.773T>A on transcript NM_005120.3 (MANE Select); coding-DNA position 773, T replaced by A.
Protein change: p.Val258Glu; replaces valine 258 with glutamic acid.
Molecular consequence: missense variant.
Genome position (GRCh38, 1-based): chrX:71,121,364, T>A. VCF-style: chrX-71121364-T-A. GRCh37 (hg19) VCF-style: chrX-70341214-T-A.
Other names: short protein forms V258E.
Identifiers: ClinVar variation 3394506 (VCV003394506.2).